The following is an entry in ClinVar:

NM_007294.4(BRCA1):c.5295A>C (p.Glu1765Asp)

Gene: BRCA1 (BRCA1 DNA repair associated; minus strand). Cytogenetic location: 17q21.31.
Variant type: single nucleotide variant.
Coding change: c.5295A>C on transcript NM_007294.4 (MANE Select); coding-DNA position 5295, A replaced by C.
Protein change: p.Glu1765Asp; replaces glutamic acid 1765 with aspartic acid.
Molecular consequence: missense variant. On other transcripts: non-coding transcript variant (1).
Genome position (GRCh38, 1-based): chr17:43,051,100, T>G on the plus strand (A>C on the coding strand, the complement: BRCA1 is on the minus strand). VCF-style: chr17-43051100-T-G. GRCh37 (hg19) VCF-style: chr17-41203117-T-G.
Other names: c.5082A>C, p.Glu1694Asp (NM_001407571.1, NM_001407907.1, NM_001407908.1 and 12 more transcripts); c.5361A>C, p.Glu1787Asp (NM_001407581.1, NM_001407582.1); c.5358A>C, p.Glu1786Asp (NM_001407583.1, NM_001407585.1, NM_001407587.1 and 1 more transcripts); c.5355A>C, p.Glu1785Asp (NM_001407590.1, NM_001407591.1); c.5295A>C, p.Glu1765Asp (NM_001407593.1, NM_001407594.1, NM_001407596.1 and 6 more transcripts); c.5292A>C, p.Glu1764Asp (NM_001407613.1, NM_001407614.1, NM_001407615.1 and 17 more transcripts); c.5289A>C, p.Glu1763Asp (NM_001407632.1, NM_001407633.1, NM_001407634.1 and 14 more transcripts); c.5217A>C, p.Glu1739Asp (NM_001407654.1, NM_001407655.1, NM_001407652.1 and 1 more transcripts); and 72 more; short protein forms E1765D, E661D, E1718D, E1786D, E1469D, E1596D, E1637D, E1638D.
Identifiers: ClinVar variation 865567 (VCV000865567.3), dbSNP rs2051208709, ClinGen allele CA10590959.
Genomic context (GRCh38, chr17:43,051,100, plus strand): 5'-CTGGGGTTCTCCCAGGCTCTTACCTGTGGGCATGTTGGTGAAGGGCCCATAGCAACAGAT[T>G]TCTAGCCCCCTGAAGATCTGGAAGAAGAGAGGAAGAGAGAGGGACAGGGGAATGGAGAGA-3'
Protein context (NP_009225.1, residues 1755-1775): SQDRKIFRGL[Glu1765Asp]ICCYGPFTNM

Conditions:
Breast-ovarian cancer, familial, susceptibility to, 1 (BROVCA1). Also called: BRCA1 Hereditary Breast and Ovarian Cancer; OVARIAN CANCER, SUSCEPTIBILITY TO. Identifiers: Orphanet 145, MedGen C2676676, MONDO:0011450, OMIM 604370. Disease mechanism: loss of function.

Submission:

Brotman Baty Institute, University of Washington
No classification provided (evidence only). Condition: Breast-ovarian cancer, familial 1. Review status: no classification provided. Collection method: in vitro. Allele origin: not applicable. Functional consequence: functionally_normal.
ClinVar note: "not provided" was previously submitted as the classification for the variant. However, the classification appeared to be based only on an observation of functional data so it was converted to no classification on 2025-07-30.